The following is an entry in ClinVar:

ClinVar aggregate classification (germline): Uncertain significance (1 of 4 stars; one submission).

Submission:

Women's Health and Genetics/Laboratory Corporation of America, LabCorp
Classification: Uncertain significance. Last evaluated: 2025-04-14. Review status: criteria provided, single submitter. Criteria: LabCorp Variant Classification Summary - May 2015. Collection method: clinical testing. Allele origin: germline.
Comment: Variant summary: AARS1 c.2173G>A (p.Gly725Arg) results in a non-conservative amino acid change in the encoded protein sequence. Five of five in-silico tools predict a damaging effect of the variant on protein function. The variant allele was found at a frequency of 6.8e-07 in 1461870 control chromosomes. The available data on variant occurrences in the general population are insufficient to allow any conclusion about variant significance. To our knowledge, no occurrence of c.2173G>A in individuals affected with Developmental and epileptic encephalopathy, 29 and no experimental evidence demonstrating its impact on protein function have been reported. No submitters have cited clinical-significance assessments for this variant to ClinVar. Based on the evidence outlined above, the variant was classified as uncertain significance.

NM_001605.3(AARS1):c.2173G>A (p.Gly725Arg)

Gene: AARS1 (alanyl-tRNA synthetase 1; minus strand). Cytogenetic location: 16q22.1.
Variant type: single nucleotide variant.
Coding change: c.2173G>A on transcript NM_001605.3 (MANE Select); coding-DNA position 2173, G replaced by A.
Protein change: p.Gly725Arg; replaces glycine 725 with arginine.
Molecular consequence: missense variant.
Genome position (GRCh38, 1-based): chr16:70,258,037, C>T on the plus strand (G>A on the coding strand, the complement: AARS1 is on the minus strand). VCF-style: chr16-70258037-C-T. GRCh37 (hg19) VCF-style: chr16-70291940-C-T.
Other names: short protein forms G725R.
Identifiers: ClinVar variation 3896307 (VCV003896307.2).